The following is an entry in ClinVar:

NM_002608.4(PDGFB):c.197G>A (p.Arg66His)

Gene: PDGFB (platelet derived growth factor subunit B; minus strand). Cytogenetic location: 22q13.1.
Variant type: single nucleotide variant.
Coding change: c.197G>A on transcript NM_002608.4 (MANE Select); coding-DNA position 197, G replaced by A.
Protein change: p.Arg66His; replaces arginine 66 with histidine.
Molecular consequence: missense variant.
Genome position (GRCh38, 1-based): chr22:39,233,488, C>T on the plus strand (G>A on the coding strand, the complement: PDGFB is on the minus strand). VCF-style: chr22-39233488-C-T. GRCh37 (hg19) VCF-style: chr22-39629493-C-T.
Other names: c.152G>A, p.Arg51His (NM_033016.3); short protein forms R51H, R66H.
Identifiers: ClinVar variation 4697308 (VCV004697308.1).

ClinVar aggregate classification (germline): Uncertain significance (1 of 4 stars; one submission).

gnomAD v4.1: 17 of 1,595,794 alleles (0.0011%); highest among the groups gnomAD compares: Admixed American, 0.014%; no homozygotes.

Submission:

Labcorp Genetics (formerly Invitae), Labcorp
Classification: Uncertain significance. Last evaluated: 2025-11-12. Review status: criteria provided, single submitter. Criteria: Invitae Variant Classification Sherloc (09022015). Collection method: clinical testing. Allele origin: germline.
Comment: This sequence change replaces arginine, which is basic and polar, with histidine, which is basic and polar, at codon 66 of the PDGFB protein (p.Arg66His). The frequency data for this variant in the population databases is considered unreliable, as metrics indicate poor data quality at this position in the gnomAD database. This variant has not been reported in the literature in individuals affected with PDGFB-related conditions. Invitae Evidence Modeling of protein sequence and biophysical properties (such as structural, functional, and spatial information, amino acid conservation, physicochemical variation, residue mobility, and thermodynamic stability) indicates that this missense variant is not expected to disrupt PDGFB protein function with a negative predictive value of 80%. In summary, the available evidence is currently insufficient to determine the role of this variant in disease. Therefore, it has been classified as a Variant of Uncertain Significance.